The following is an entry in ClinVar:

ClinVar aggregate classification (germline): Likely benign (0 of 4 stars; one submission).

Conditions:
HCRTR2-related disorder. Also called: HCRTR2-related condition.

Allele frequency attached by ClinVar (database versions not stated): TOPMed 0.00187; gnomAD 0.00194; ESP Exome Variant Server 0.00231; 1000 Genomes Project 30x 0.00250; 1000 Genomes Project 0.00260; ExAC 0.00261; gnomAD exomes 0.00308.
gnomAD v4.1: 4,772 of 1,614,038 alleles (0.3%); highest among the groups gnomAD compares: South Asian, 0.55%; 13 homozygotes.

Submission:

PreventionGenetics, part of Exact Sciences
Classification: Likely benign for HCRTR2-related condition. Last evaluated: 2022-08-09. Review status: no assertion criteria provided. Collection method: clinical testing. Allele origin: germline.
Comment: This variant is classified as likely benign based on ACMG/AMP sequence variant interpretation guidelines (Richards et al. 2015 PMID: 25741868, with internal and published modifications).

NM_001384272.1(HCRTR2):c.28C>T (p.Pro10Ser)

Gene: HCRTR2 (hypocretin receptor 2; plus strand). Cytogenetic location: 6p12.1.
Variant type: single nucleotide variant.
Coding change: c.28C>T on transcript NM_001384272.1 (MANE Select); coding-DNA position 28, C replaced by T.
Protein change: p.Pro10Ser; replaces proline 10 with serine.
Molecular consequence: missense variant.
Genome position (GRCh38, 1-based): chr6:55,174,615, C>T. VCF-style: chr6-55174615-C-T. GRCh37 (hg19) VCF-style: chr6-55039413-C-T.
Other names: c.28C>T, p.Pro10Ser (NM_001526.5); short protein forms P10S.
Identifiers: ClinVar variation 3042775 (VCV003042775.2), dbSNP rs41271310, ClinGen allele CA3863354.